The following is an entry in ClinVar:

ClinVar aggregate classification (germline): Uncertain significance. Review status: criteria provided, multiple submitters, no conflicts (2 of 4 stars). 2 submissions from 2 submitters: Uncertain significance (2). Last evaluated 2025-05-30.

Allele frequency attached by ClinVar (database versions not stated): gnomAD 0.00001; gnomAD exomes 0.00002; TOPMed 0.00002.
gnomAD v4.1: 28 of 1,612,920 alleles (0.0017%); highest among the groups gnomAD compares: Non-Finnish European, 0.0022%; no homozygotes.

Submissions (2):

Ambry Genetics
Classification: Uncertain significance. Last evaluated: 2025-05-30. Review status: criteria provided, single submitter. Criteria: Ambry Variant Classification Scheme 2023. Collection method: clinical testing. Allele origin: germline.

Labcorp Genetics (formerly Invitae), Labcorp
Classification: Uncertain significance. Last evaluated: 2022-01-17. Review status: criteria provided, single submitter. Criteria: Invitae Variant Classification Sherloc (09022015). Collection method: clinical testing. Allele origin: germline.
Comment: In summary, the available evidence is currently insufficient to determine the role of this variant in disease. Therefore, it has been classified as a Variant of Uncertain Significance. Algorithms developed to predict the effect of missense changes on protein structure and function are either unavailable or do not agree on the potential impact of this missense change (SIFT: "Deleterious"; PolyPhen-2: "Probably Damaging"; Align-GVGD: "Class C0"). This variant has not been reported in the literature in individuals affected with RINT1-related conditions. This variant is not present in population databases (gnomAD no frequency). This sequence change replaces glycine, which is neutral and non-polar, with valine, which is neutral and non-polar, at codon 65 of the RINT1 protein (p.Gly65Val).

NM_021930.6(RINT1):c.194G>T (p.Gly65Val)

Gene: RINT1 (RAD50 interactor 1; plus strand). Cytogenetic location: 7q22.3.
Variant type: single nucleotide variant.
Coding change: c.194G>T on transcript NM_021930.6 (MANE Select); coding-DNA position 194, G replaced by T.
Protein change: p.Gly65Val; replaces glycine 65 with valine.
Molecular consequence: missense variant. On other transcripts: 5 prime UTR variant (3), non-coding transcript variant (1), intron variant (1).
Genome position (GRCh38, 1-based): chr7:105,536,670, G>T. VCF-style: chr7-105536670-G-T. GRCh37 (hg19) VCF-style: chr7-105177117-G-T.
Other names: c.-826G>T (NM_001346600.2); c.-729G>T (NM_001346601.2); c.-349G>T (NM_001346603.2); c.39+58G>T (NM_001346599.2); short protein forms G65V.
Identifiers: ClinVar variation 1393743 (VCV001393743.12), dbSNP rs1228140390, ClinGen allele CA368800388.